The following is an entry in ClinVar:

ClinVar aggregate classification (germline): Conflicting classifications of pathogenicity. Review status: criteria provided, conflicting classifications (1 of 4 stars). 3 submissions from 3 submitters: Pathogenic (1); Likely pathogenic (1); Uncertain significance (1). Last evaluated 2024-06-01.

Conditions:
Brain small vessel disease 2A, autosomal dominant. Also called: Porencephaly 2. Identifiers: Orphanet 2940, Orphanet 99810, MedGen C3280970, MONDO:0013773, OMIM 614483.

Submissions (3):

CeGaT Center for Human Genetics Tuebingen
Classification: Uncertain significance. Last evaluated: 2024-06-01. Review status: criteria provided, single submitter. Criteria: CeGaT Center For Human Genetics Tuebingen Variant Classification Criteria Version 2. Collection method: clinical testing. Allele origin: germline. Affected: yes. Observed: 1 variant allele.
Comment: COL4A2: PM2, PVS1:Moderate

Department of Human Genetics, Hannover Medical School
Classification: Likely pathogenic for Brain small vessel disease 2A, autosomal dominant. Last evaluated: 2024-05-07. Review status: criteria provided, single submitter. Criteria: ACMG Guidelines, 2015. Collection method: clinical testing. Allele origin: germline. Affected: yes.

Labcorp Genetics (formerly Invitae), Labcorp
Classification: Pathogenic. Last evaluated: 2023-06-28. Review status: criteria provided, single submitter. Criteria: Invitae Variant Classification Sherloc (09022015). Collection method: clinical testing. Allele origin: germline.
Comment: This variant has not been reported in the literature in individuals affected with COL4A2-related conditions. This variant is present in population databases (no rsID available, gnomAD 0.002%). This sequence change creates a premature translational stop signal (p.Arg431*) in the COL4A2 gene. It is expected to result in an absent or disrupted protein product. Loss-of-function variants in COL4A2 are known to be pathogenic (PMID: 22333902, 30315939). For these reasons, this variant has been classified as Pathogenic.

Literature cited by the submitters: PubMed 22333902 (cited by Labcorp Genetics (formerly Invitae), Labcorp); PubMed 30315939 (cited by Labcorp Genetics (formerly Invitae), Labcorp).

NM_001846.4(COL4A2):c.1291C>T (p.Arg431Ter)

Gene: COL4A2 (collagen type IV alpha 2 chain; plus strand). Cytogenetic location: 13q34.
Variant type: single nucleotide variant.
Coding change: c.1291C>T on transcript NM_001846.4 (MANE Select); coding-DNA position 1291, C replaced by T.
Protein change: p.Arg431Ter; replaces arginine 431 with a stop codon.
Molecular consequence: nonsense.
Genome position (GRCh38, 1-based): chr13:110,450,406, C>T. VCF-style: chr13-110450406-C-T. GRCh37 (hg19) VCF-style: chr13-111102753-C-T.
Other names: short protein forms R431*.
Identifiers: ClinVar variation 3009726 (VCV003009726.22), dbSNP rs747324600, ClinGen allele CA388734663.